The following is an entry in ClinVar:

ClinVar aggregate classification (germline): Uncertain significance. Review status: criteria provided, multiple submitters, no conflicts (2 of 4 stars). 2 submissions from 2 submitters: Uncertain significance (2). Last evaluated 2026-01-11.

Conditions:
Candidiasis, familial, 9 (CANDF9). Identifiers: Orphanet 1334, MedGen C4225324, MONDO:0014642, OMIM 616445.

Allele frequency attached by ClinVar (database versions not stated): gnomAD 0.00010; TOPMed 0.00014; 1000 Genomes Project 0.00020; ESP Exome Variant Server 0.00023; 1000 Genomes Project 30x 0.00031.
gnomAD v4.1: 230 of 1,604,442 alleles (0.014%); highest among the groups gnomAD compares: Non-Finnish European, 0.017%; no homozygotes.

Submissions (2):

Labcorp Genetics (formerly Invitae), Labcorp
Classification: Uncertain significance for Candidiasis, familial, 9. Last evaluated: 2026-01-11. Review status: criteria provided, single submitter. Criteria: Invitae Variant Classification Sherloc (09022015). Collection method: clinical testing. Allele origin: germline.
Comment: This sequence change replaces proline, which is neutral and non-polar, with leucine, which is neutral and non-polar, at codon 390 of the IL17RC protein (p.Pro390Leu). This variant is present in population databases (rs371497727, gnomAD 0.02%). This variant has not been reported in the literature in individuals affected with IL17RC-related conditions. ClinVar contains an entry for this variant (Variation ID: 571337). An algorithm developed to predict the effect of missense changes on protein structure and function outputs the following: PolyPhen-2: "Benign". The leucine amino acid residue is found in multiple mammalian species, which suggests that this missense change does not adversely affect protein function. In summary, the available evidence is currently insufficient to determine the role of this variant in disease. Therefore, it has been classified as a Variant of Uncertain Significance.

Blueprint Genetics
Classification: Uncertain significance. Last evaluated: 2022-11-15. Review status: criteria provided, single submitter. Criteria: ACMG Guidelines, 2015. Collection method: clinical testing. Allele origin: germline.

NM_153460.4(IL17RC):c.956C>T (p.Pro319Leu)

Gene: IL17RC (interleukin 17 receptor C; plus strand). Cytogenetic location: 3p25.3.
Variant type: single nucleotide variant.
Coding change: c.956C>T on transcript NM_153460.4 (MANE Select); coding-DNA position 956, C replaced by T.
Protein change: p.Pro319Leu; replaces proline 319 with leucine.
Molecular consequence: missense variant. On other transcripts: non-coding transcript variant (1).
Genome position (GRCh38, 1-based): chr3:9,928,383, C>T. VCF-style: chr3-9928383-C-T. GRCh37 (hg19) VCF-style: chr3-9970067-C-T.
Other names: c.956C>T, p.Pro319Leu (NM_001203263.2, NM_001203264.2); c.911C>T, p.Pro304Leu (NM_001203265.2, NM_001367280.1, NM_032732.6); c.917C>T, p.Pro306Leu (NM_001367278.1); c.836C>T, p.Pro279Leu (NM_001367279.1); c.1169C>T, p.Pro390Leu (NM_153461.4); short protein forms P390L, P319L, P306L, P279L, P304L.
Identifiers: ClinVar variation 571337 (VCV000571337.10), dbSNP rs371497727, ClinGen allele CA2247078.